The following is an entry in ClinVar:

NM_001098.3(ACO2):c.268C>T (p.Arg90Trp)

Gene: ACO2 (aconitase 2; plus strand). Cytogenetic location: 22q13.2.
Variant type: single nucleotide variant.
Coding change: c.268C>T on transcript NM_001098.3 (MANE Select); coding-DNA position 268, C replaced by T.
Protein change: p.Arg90Trp; replaces arginine 90 with tryptophan.
Molecular consequence: missense variant.
Genome position (GRCh38, 1-based): chr22:41,507,885, C>T. VCF-style: chr22-41507885-C-T. GRCh37 (hg19) VCF-style: chr22-41903889-C-T.
Other names: short protein forms R90W.
Identifiers: ClinVar variation 2958223 (VCV002958223.5), dbSNP rs539524933, ClinGen allele CA10257324.

ClinVar aggregate classification (germline): Uncertain significance. Review status: criteria provided, multiple submitters, no conflicts (2 of 4 stars). 3 submissions from 3 submitters: Uncertain significance (2). 1 of the submissions does not count toward it. Last evaluated 2024-11-04.

Conditions:
Infantile cerebellar-retinal degeneration (ICRD). Identifiers: Orphanet 313850, MedGen C3281192, MONDO:0013802, OMIM 614559.

Allele frequency attached by ClinVar (database versions not stated): gnomAD 0.00001; gnomAD exomes 0.00001; TOPMed 0.00001; ExAC 0.00002; 1000 Genomes Project 0.00020; 1000 Genomes Project 30x 0.00031.
gnomAD v4.1: 13 of 1,614,222 alleles (0.00081%); highest among the groups gnomAD compares: African/African-American, 0.0013%; no homozygotes.

Submissions (3):

Labcorp Genetics (formerly Invitae), Labcorp
Classification: Uncertain significance. Last evaluated: 2024-11-04. Review status: criteria provided, single submitter. Criteria: Invitae Variant Classification Sherloc (09022015). Collection method: clinical testing. Allele origin: germline.
Comment: This sequence change replaces arginine, which is basic and polar, with tryptophan, which is neutral and slightly polar, at codon 90 of the ACO2 protein (p.Arg90Trp). This variant is present in population databases (rs539524933, gnomAD 0.007%). This variant has not been reported in the literature in individuals affected with ACO2-related conditions. ClinVar contains an entry for this variant (Variation ID: 2958223). Invitae Evidence Modeling of protein sequence and biophysical properties (such as structural, functional, and spatial information, amino acid conservation, physicochemical variation, residue mobility, and thermodynamic stability) indicates that this missense variant is not expected to disrupt ACO2 protein function with a negative predictive value of 80%. In summary, the available evidence is currently insufficient to determine the role of this variant in disease. Therefore, it has been classified as a Variant of Uncertain Significance.

Blueprint Genetics
Classification: Uncertain significance. Last evaluated: 2020-12-30. Review status: criteria provided, single submitter. Criteria: ACMG Guidelines, 2015. Collection method: clinical testing. Allele origin: germline.

Clinical Genetics Laboratory, University Hospital Schleswig-Holstein
Classification: Uncertain significance for Infantile cerebellar-retinal degeneration. Last evaluated: 2023-11-16. Review status: no assertion criteria provided. Collection method: clinical testing. Allele origin: paternal. Affected: yes. Not counted in ClinVar's aggregate classification.